The following is an entry in ClinVar:

ClinVar aggregate classification (germline): Uncertain significance (1 of 4 stars; one submission).

Submission:

Ambry Genetics
Classification: Uncertain significance. Last evaluated: 2026-06-14. Review status: criteria provided, single submitter. Criteria: Ambry Variant Classification Scheme 2023. Collection method: clinical testing. Allele origin: germline.
Comment: The p.D642G variant (also known as c.1925A>G), located in coding exon 8 of the WNK2 gene, results from an A to G substitution at nucleotide position 1925. The aspartic acid at codon 642 is replaced by glycine, an amino acid with similar properties. This amino acid position is conserved. In addition, the in silico prediction for this alteration is inconclusive. Based on the available evidence, the clinical significance of this variant remains unclear.

NM_006648.4(WNK2):c.1925A>G (p.Asp642Gly)

Gene: WNK2 (WNK lysine deficient protein kinase 2; plus strand). Cytogenetic location: 9q22.31.
Variant type: single nucleotide variant.
Coding change: c.1925A>G on transcript NM_006648.4 (MANE Select); coding-DNA position 1925, A replaced by G.
Protein change: p.Asp642Gly; replaces aspartic acid 642 with glycine.
Molecular consequence: missense variant.
Genome position (GRCh38, 1-based): chr9:93,252,973, A>G. VCF-style: chr9-93252973-A-G. GRCh37 (hg19) VCF-style: chr9-96015255-A-G.
Other names: c.1925A>G, p.Asp642Gly (NM_001282394.3); short protein forms D642G.
Identifiers: ClinVar variation 4866761 (VCV004866761.1).
Genomic context (GRCh38, chr9:93,252,973, plus strand): 5'-CTACCGTGTACTCAGACTCGCAGAGCAGCCAGCAGAGCGTGATGCTTGGCTCCCTTGCCG[A>G]CGCAGCGCCGTCCCCGGCCCAGTGTGTGTGCAGCCCCCCTGTGAGCGAGGGGCCCGTCCT-3'
Protein context (NP_006639.3, residues 632-652): QQSVMLGSLA[Asp642Gly]AAPSPAQCVC